The following is an entry in ClinVar:

ClinVar aggregate classification (germline): Uncertain significance (1 of 4 stars; one submission).

Submission:

Labcorp Genetics (formerly Invitae), Labcorp
Classification: Uncertain significance. Last evaluated: 2023-05-20. Review status: criteria provided, single submitter. Criteria: Invitae Variant Classification Sherloc (09022015). Collection method: clinical testing. Allele origin: germline.
Comment: An algorithm developed to predict the effect of missense changes on protein structure and function (PolyPhen-2) suggests that this variant is likely to be disruptive. In summary, the available evidence is currently insufficient to determine the role of this variant in disease. Therefore, it has been classified as a Variant of Uncertain Significance. This variant has not been reported in the literature in individuals affected with FRAS1-related conditions. This sequence change replaces proline, which is neutral and non-polar, with leucine, which is neutral and non-polar, at codon 131 of the FRAS1 protein (p.Pro131Leu). This variant is not present in population databases (gnomAD no frequency).

NM_025074.7(FRAS1):c.392C>T (p.Pro131Leu)

Gene: FRAS1 (Fraser extracellular matrix complex subunit 1; plus strand). Cytogenetic location: 4q21.21.
Variant type: single nucleotide variant.
Coding change: c.392C>T on transcript NM_025074.7 (MANE Select); coding-DNA position 392, C replaced by T.
Protein change: p.Pro131Leu; replaces proline 131 with leucine.
Molecular consequence: missense variant.
Genome position (GRCh38, 1-based): chr4:78,252,474, C>T. VCF-style: chr4-78252474-C-T. GRCh37 (hg19) VCF-style: chr4-79173628-C-T.
Other names: c.392C>T, p.Pro131Leu (NM_001166133.2); short protein forms P131L.
Identifiers: ClinVar variation 2788059 (VCV002788059.3), dbSNP rs2476513718, ClinGen allele CA357352143.